The following is an entry in ClinVar:

NM_000500.9(CYP21A2):c.1481G>A (p.Ser494Asn)

Genes: CYP21A2 (cytochrome P450 family 21 subfamily A member 2; plus strand), LOC106780800 (CYP21A2 recombination region; plus strand). Cytogenetic location: 6p21.33.
Variant type: single nucleotide variant.
Coding change: c.1481G>A on transcript NM_000500.9 (MANE Select); coding-DNA position 1481, G replaced by A.
Protein change: p.Ser494Asn; replaces serine 494 with asparagine.
Molecular consequence: missense variant.
Genome position (GRCh38, 1-based): chr6:32,041,127, G>A. VCF-style: chr6-32041127-G-A. GRCh37 (hg19) VCF-style: chr6-32008904-G-A.
Other names: c.1391G>A, p.Ser464Asn (NM_001128590.4); c.1076G>A, p.Ser359Asn (NM_001368143.2, NM_001368144.2); short protein forms S494N, S464N, S359N.
Identifiers: ClinVar variation 193596 (VCV000193596.9), dbSNP rs6473, ClinGen allele CA239138.

ClinVar aggregate classification (germline): Benign/Likely benign. Review status: criteria provided, multiple submitters, no conflicts (2 of 4 stars). 5 submissions from 5 submitters: Benign (4); Likely benign (1). Last evaluated 2025-08-25.

Conditions:
21-Hydroxylase-Deficient Congenital Adrenal Hyperplasia. Also called: ADRENAL HYPERPLASIA III; ADRENAL HYPERPLASIA, CONGENITAL, DUE TO 21-HYDROXYLASE DEFICIENCY. Identifiers: MedGen C2936858, OMIM 201910.

Allele frequency attached by ClinVar (database versions not stated): 1000 Genomes Project 30x 0.07214.

Submissions (5):

Athena Diagnostics
Classification: Benign. Last evaluated: 2025-08-25. Review status: criteria provided, single submitter. Criteria: Athena Diagnostics Criteria. Collection method: clinical testing. Allele origin: unknown.
Comment: Computational tools predict this amino acid change may be benign. This variant has been identified in at least one clinically healthy individual. This variant has been seen where an alternate explanation for disease was also identified.

Blueprint Genetics
Classification: Likely benign. Last evaluated: 2024-11-21. Review status: criteria provided, single submitter. Criteria: ACMG Guidelines, 2015. Collection method: clinical testing. Allele origin: germline.

Newborn Screening Ontario, Children's Hospital of Eastern Ontario (CHEO)
Classification: Benign for 21-Hydroxylase-Deficient Congenital Adrenal Hyperplasia. Last evaluated: 2022-06-01. Review status: criteria provided, single submitter. Criteria: ACMG Guidelines, 2015. Collection method: clinical testing. Allele origin: germline. Inheritance: Autosomal recessive inheritance.

Eurofins Ntd Llc (ga)
Classification: Benign. Last evaluated: 2017-07-06. Review status: criteria provided, single submitter. Criteria: EGL Classification Definitions 2015. Collection method: clinical testing. Allele origin: germline. Observed: 17 variant alleles, 7 heterozygotes, 10 homozygotes.

PreventionGenetics, part of Exact Sciences
Classification: Benign. Review status: criteria provided, single submitter. Criteria: ACMG Guidelines, 2015. Collection method: clinical testing. Allele origin: germline.

Literature cited by the submitters: PubMed 3038528 (cited by Athena Diagnostics); PubMed 10496074 (cited by Athena Diagnostics); PubMed 16487445 (cited by Athena Diagnostics); PubMed 25227725 (cited by Athena Diagnostics); PubMed 9132494 (cited by Athena Diagnostics); PubMed 25249698 (cited by Athena Diagnostics).